The following is an entry in ClinVar:

ClinVar aggregate classification (germline): Uncertain significance (1 of 4 stars; one submission).

Allele frequency attached by ClinVar (database versions not stated): gnomAD exomes below 0.00001.
gnomAD v4.1: 6 of 1,614,096 alleles (0.00037%); highest among the groups gnomAD compares: South Asian, 0.0011%; no homozygotes.

Submission:

Labcorp Genetics (formerly Invitae), Labcorp
Classification: Uncertain significance. Last evaluated: 2022-08-22. Review status: criteria provided, single submitter. Criteria: Invitae Variant Classification Sherloc (09022015). Collection method: clinical testing. Allele origin: germline.
Comment: In summary, the available evidence is currently insufficient to determine the role of this variant in disease. Therefore, it has been classified as a Variant of Uncertain Significance. Algorithms developed to predict the effect of missense changes on protein structure and function (SIFT, PolyPhen-2, Align-GVGD) all suggest that this variant is likely to be tolerated. This variant has not been reported in the literature in individuals affected with ERCC3-related conditions. This variant is present in population databases (no rsID available, gnomAD 0.0009%). This sequence change replaces isoleucine, which is neutral and non-polar, with valine, which is neutral and non-polar, at codon 306 of the ERCC3 protein (p.Ile306Val).

NM_000122.2(ERCC3):c.916A>G (p.Ile306Val)

Gene: ERCC3 (ERCC excision repair 3, TFIIH core complex helicase subunit; minus strand). Cytogenetic location: 2q14.3.
Variant type: single nucleotide variant.
Coding change: c.916A>G on transcript NM_000122.2 (MANE Select); coding-DNA position 916, A replaced by G.
Protein change: p.Ile306Val; replaces isoleucine 306 with valine.
Molecular consequence: missense variant.
Genome position (GRCh38, 1-based): chr2:127,288,771, T>C on the plus strand (A>G on the coding strand, the complement: ERCC3 is on the minus strand). VCF-style: chr2-127288771-T-C. GRCh37 (hg19) VCF-style: chr2-128046347-T-C.
Other names: c.724A>G, p.Ile242Val (NM_001303416.2, NM_001303418.2); short protein forms I306V, I242V.
Identifiers: ClinVar variation 2091859 (VCV002091859.3), dbSNP rs1291272894, ClinGen allele CA348390405.
Genomic context (GRCh38, chr2:127,288,771, plus strand): 5'-TTCGCAAGCTCTTCTCCTGATAGGGTCTGAGGACAGCTGTGGGCTTTAGGTCAATGTTGA[T>C]ATCAGGGTTGACAGAATCATTCCGGAAGTCATATTCTGCCAACAGAGGGTACTCCAGGTG-3'
Protein context (NP_000113.1, residues 296-316): DFRNDSVNPD[Ile306Val]NIDLKPTAVL